The following is an entry in ClinVar:

ClinVar aggregate classification (germline): Uncertain significance (1 of 4 stars; one submission).

Conditions:
Leigh syndrome (NULS). Also called: Leigh's necrotizing encephalopathy; Leigh's disease; Leigh Syndrome (mtDNA deletion); Leigh Disease; Subacute necrotizing encephalopathy; Necrotizing encephalopathy infantile subacute of Leigh. Identifiers: Orphanet 506, MedGen C2931891, MONDO:0009723, OMIM 256000.

Submission:

Wong Mito Lab, Molecular and Human Genetics, Baylor College of Medicine
Classification: Uncertain significance for Leigh syndrome. Last evaluated: 2019-10-17. Review status: criteria provided, single submitter. Criteria: Modified ACMG Guidelines (Unpublished). Collection method: clinical testing. Allele origin: germline.
Comment: The NC_012920.1:m.9309T>C (YP_003024032.1:p.Phe35Leu) variant in MTCO3 gene is interpretated to be a Uncertain Significance variant based on the modified ACMG guidelines (unpublished). This variant meets the following evidence codes: PP4

NC_012920.1(MT-CO3):m.9309T>C

Gene: MT-CO3 (mitochondrially encoded cytochrome c oxidase III; plus strand).
Variant type: single nucleotide variant.
Genome position: chrM-9309-T-C.
Identifiers: ClinVar variation 693144 (VCV000693144.1), dbSNP rs1603222236, ClinGen allele CA414802657.